The following is an entry in ClinVar:

NM_001040716.2(PC):c.439C>T (p.Arg147Cys)

Gene: PC (pyruvate carboxylase; minus strand). Cytogenetic location: 11q13.2.
Variant type: single nucleotide variant.
Coding change: c.439C>T on transcript NM_001040716.2 (MANE Select); coding-DNA position 439, C replaced by T.
Protein change: p.Arg147Cys; replaces arginine 147 with cysteine.
Molecular consequence: missense variant.
Genome position (GRCh38, 1-based): chr11:66,871,363, G>A on the plus strand (C>T on the coding strand, the complement: PC is on the minus strand). VCF-style: chr11-66871363-G-A. GRCh37 (hg19) VCF-style: chr11-66638834-G-A.
Other names: c.439C>T, p.Arg147Cys (NM_000920.4, NM_022172.3); c.439C>T (NM_000920.3); short protein forms R147C.
Identifiers: ClinVar variation 2201087 (VCV002201087.3), dbSNP rs529087425, ClinGen allele CA6132224.

ClinVar aggregate classification (germline): Uncertain significance. Review status: criteria provided, multiple submitters, no conflicts (2 of 4 stars). 2 submissions from 2 submitters: Uncertain significance (2). Last evaluated 2025-02-24.

Conditions:
Pyruvate carboxylase deficiency. Also called: LEIGH NECROTIZING ENCEPHALOPATHY DUE TO PYRUVATE CARBOXYLASE DEFICIENCY; LEIGH SYNDROME DUE TO PYRUVATE CARBOXYLASE DEFICIENCY; PC DEFICIENCY; ATAXIA WITH LACTIC ACIDOSIS II; Pyruvate Carboxylase Deficiency Disease. Identifiers: Orphanet 3008, MedGen C0034341, MONDO:0009949, OMIM 266150.
Inborn genetic diseases. Identifiers: MedGen C0950123, MeSH D030342.

Allele frequency attached by ClinVar (database versions not stated): ExAC 0.00001; gnomAD 0.00001; TOPMed 0.00001; 1000 Genomes Project 30x 0.00016; 1000 Genomes Project 0.00020.
gnomAD v4.1: 20 of 1,613,826 alleles (0.0012%); highest among the groups gnomAD compares: South Asian, 0.0066%; no homozygotes.

Submissions (2):

Ambry Genetics
Classification: Uncertain significance for Inborn genetic diseases. Last evaluated: 2025-02-24. Review status: criteria provided, single submitter. Criteria: Ambry Variant Classification Scheme 2023. Collection method: clinical testing. Allele origin: germline.

Labcorp Genetics (formerly Invitae), Labcorp
Classification: Uncertain significance for Pyruvate carboxylase deficiency. Last evaluated: 2022-05-07. Review status: criteria provided, single submitter. Criteria: Invitae Variant Classification Sherloc (09022015). Collection method: clinical testing. Allele origin: germline.
Comment: This sequence change replaces arginine, which is basic and polar, with cysteine, which is neutral and slightly polar, at codon 147 of the PC protein (p.Arg147Cys). This variant is present in population databases (rs529087425, gnomAD 0.003%). This variant has not been reported in the literature in individuals affected with PC-related conditions. Algorithms developed to predict the effect of missense changes on protein structure and function are either unavailable or do not agree on the potential impact of this missense change (SIFT: "Tolerated"; PolyPhen-2: "Possibly Damaging"; Align-GVGD: "Class C0"). In summary, the available evidence is currently insufficient to determine the role of this variant in disease. Therefore, it has been classified as a Variant of Uncertain Significance.